The following is an entry in ClinVar:

ClinVar aggregate classification (germline): Uncertain significance. Review status: criteria provided, multiple submitters, no conflicts (2 of 4 stars). 2 submissions from 2 submitters: Uncertain significance (2). Last evaluated 2021-09-01.

Conditions:
Inborn genetic diseases. Identifiers: MedGen C0950123, MeSH D030342.
Hereditary spastic paraplegia 11. Also called: Nakamura Osame syndrome; Autosomal recessive hereditary spastic paraplegia, mental impairment, and thin corpus callosum; SPASTIC PARAPLEGIA, AUTOSOMAL RECESSIVE, COMPLICATED, WITH THIN CORPUS CALLOSUM; SPASTIC PARAPLEGIA, AUTOSOMAL RECESSIVE, WITH MENTAL IMPAIRMENT AND THIN CORPUS CALLOSUM; Spastic paraplegia, mental retardation and thin corpus callosum; Spastic Paraplegia 11. Identifiers: Orphanet 2822, MedGen C1858479, MONDO:0011445, OMIM 604360.

Allele frequency attached by ClinVar (database versions not stated): gnomAD exomes below 0.00001 and 0.00001; ExAC 0.00001; gnomAD 0.00001; TOPMed 0.00002.
gnomAD v4.1: 19 of 1,611,688 alleles (0.0012%); highest among the groups gnomAD compares: Non-Finnish European, 0.0016%; no homozygotes.

Submissions (2):

Labcorp Genetics (formerly Invitae), Labcorp
Classification: Uncertain significance for Hereditary spastic paraplegia 11. Last evaluated: 2021-09-01. Review status: criteria provided, single submitter. Criteria: Invitae Variant Classification Sherloc (09022015). Collection method: clinical testing. Allele origin: germline.
Comment: This sequence change replaces serine with leucine at codon 344 of the SPG11 protein (p.Ser344Leu). The serine residue is moderately conserved and there is a large physicochemical difference between serine and leucine. This variant is present in population databases (rs776948550, ExAC 0.002%). This variant has not been reported in the literature in individuals affected with SPG11-related conditions. Algorithms developed to predict the effect of missense changes on protein structure and function are either unavailable or do not agree on the potential impact of this missense change (SIFT: "Deleterious"; PolyPhen-2: "Benign"; Align-GVGD: "Class C0"). In summary, the available evidence is currently insufficient to determine the role of this variant in disease. Therefore, it has been classified as a Variant of Uncertain Significance.

Ambry Genetics
Classification: Uncertain significance for Inborn genetic diseases. Last evaluated: 2020-09-01. Review status: criteria provided, single submitter. Criteria: Ambry Variant Classification Scheme 2023. Collection method: clinical testing. Allele origin: germline.
Comment: The p.S344L variant (also known as c.1031C>T), located in coding exon 6 of the SPG11 gene, results from a C to T substitution at nucleotide position 1031. The serine at codon 344 is replaced by leucine, an amino acid with dissimilar properties. This amino acid position is well conserved in available vertebrate species. In addition, this alteration is predicted to be tolerated by in silico analysis. Since supporting evidence is limited at this time, the clinical significance of this alteration remains unclear.

NM_025137.4(SPG11):c.1031C>T (p.Ser344Leu)

Gene: SPG11 (SPG11 vesicle trafficking associated, spatacsin; minus strand). Cytogenetic location: 15q21.1.
Variant type: single nucleotide variant.
Coding change: c.1031C>T on transcript NM_025137.4 (MANE Select); coding-DNA position 1031, C replaced by T.
Protein change: p.Ser344Leu; replaces serine 344 with leucine.
Molecular consequence: missense variant.
Genome position (GRCh38, 1-based): chr15:44,651,916, G>A on the plus strand (C>T on the coding strand, the complement: SPG11 is on the minus strand). VCF-style: chr15-44651916-G-A. GRCh37 (hg19) VCF-style: chr15-44944114-G-A.
Other names: c.1031C>T, p.Ser344Leu (NM_001160227.2); short protein forms S344L.
Identifiers: ClinVar variation 1395609 (VCV001395609.7), dbSNP rs776948550, ClinGen allele CA7535631.